The following is an entry in ClinVar:

NM_032383.5(HPS3):c.1951A>G (p.Met651Val)

Gene: HPS3 (HPS3 biogenesis of lysosomal organelles complex 2 subunit 1; plus strand). Cytogenetic location: 3q24.
Variant type: single nucleotide variant.
Coding change: c.1951A>G on transcript NM_032383.5 (MANE Select); coding-DNA position 1951, A replaced by G.
Protein change: p.Met651Val; replaces methionine 651 with valine.
Molecular consequence: missense variant.
Genome position (GRCh38, 1-based): chr3:149,160,124, A>G. VCF-style: chr3-149160124-A-G. GRCh37 (hg19) VCF-style: chr3-148877911-A-G.
Other names: c.1456A>G, p.Met486Val (NM_001308258.2); short protein forms M486V, M651V.
Identifiers: ClinVar variation 991441 (VCV000991441.6), dbSNP rs753269782, ClinGen allele CA2660212.

ClinVar aggregate classification (germline): Uncertain significance. Review status: criteria provided, single submitter (1 of 4 stars). 2 submissions from 2 submitters: Uncertain significance (1). 1 of the submissions does not count toward it. Last evaluated 2021-09-30.

Conditions:
Hermansky-Pudlak syndrome (HPS). Also called: ALBINISM WITH HEMORRHAGIC DIATHESIS AND PIGMENTED RETICULOENDOTHELIAL CELLS. Identifiers: Orphanet 79430, MedGen C0079504, MONDO:0019312.

Allele frequency attached by ClinVar (database versions not stated): gnomAD exomes below 0.00001 and 0.00001; TOPMed below 0.00001; ExAC 0.00001; gnomAD 0.00001.
gnomAD v4.1: 11 of 1,613,824 alleles (0.00068%); highest among the groups gnomAD compares: African/African-American, 0.0027%; no homozygotes.

Submissions (2):

Labcorp Genetics (formerly Invitae), Labcorp
Classification: Uncertain significance. Last evaluated: 2021-09-30. Review status: criteria provided, single submitter. Criteria: Invitae Variant Classification Sherloc (09022015). Collection method: clinical testing. Allele origin: germline.
Comment: This sequence change replaces methionine with valine at codon 651 of the HPS3 protein (p.Met651Val). The methionine residue is moderately conserved and there is a small physicochemical difference between methionine and valine. This variant is present in population databases (rs753269782, ExAC 0.001%). This variant has not been reported in the literature in individuals with HPS3-related conditions. Algorithms developed to predict the effect of missense changes on protein structure and function output the following: SIFT: "Tolerated"; PolyPhen-2: "Benign"; Align-GVGD: "Class C0". The valine amino acid residue is found in multiple mammalian species, suggesting that this missense change does not adversely affect protein function. These predictions have not been confirmed by published functional studies and their clinical significance is uncertain. In summary, the available evidence is currently insufficient to determine the role of this variant in disease. Therefore, it has been classified as a Variant of Uncertain Significance.

Natera, Inc.
Classification: Uncertain significance for Hermansky-Pudlak syndrome. Last evaluated: 2020-08-14. Review status: no assertion criteria provided. Collection method: clinical testing. Allele origin: germline. Not counted in ClinVar's aggregate classification.